The following is an entry in ClinVar:

NC_000010.11:g.2501620C>T

Variant type: single nucleotide variant.
Genome position: GRCh38 VCF-style: chr10-2501620-C-T. GRCh37 (hg19) VCF-style: chr10-2543812-C-T.
Identifiers: ClinVar variation 2640278 (VCV002640278.23), dbSNP rs568827865, ClinGen allele CA201879929.

ClinVar aggregate classification (germline): Likely benign (1 of 4 stars; one submission).

Submission:

CeGaT Center for Human Genetics Tuebingen
Classification: Likely benign. Last evaluated: 2023-01-01. Review status: criteria provided, single submitter. Criteria: CeGaT Center For Human Genetics Tuebingen Variant Classification Criteria Version 2. Collection method: clinical testing. Allele origin: germline. Affected: yes. Observed: 1 variant allele.
Comment: ENSG00000235281: BS2